The following is an entry in ClinVar:

ClinVar aggregate classification (germline): Uncertain significance. Review status: criteria provided, multiple submitters, no conflicts (2 of 4 stars). 2 submissions from 2 submitters: Uncertain significance (2). Last evaluated 2024-02-02.

Conditions:
Hereditary cancer-predisposing syndrome. Also called: Neoplastic Syndromes, Hereditary; Tumor predisposition; Hereditary Cancer Syndrome; Hereditary neoplastic syndrome. Identifiers: Orphanet 140162, MedGen C0027672, MeSH D009386, MONDO:0015356.
Tuberous sclerosis 2 (TSC2). Identifiers: Orphanet 805, MedGen C1860707, MONDO:0013199, OMIM 613254.

Submissions (2):

Ambry Genetics
Classification: Uncertain significance for Hereditary cancer-predisposing syndrome. Last evaluated: 2024-02-02. Review status: criteria provided, single submitter. Criteria: Ambry Variant Classification Scheme 2023. Collection method: clinical testing. Allele origin: germline.

Labcorp Genetics (formerly Invitae), Labcorp
Classification: Uncertain significance for Tuberous sclerosis 2. Last evaluated: 2022-07-16. Review status: criteria provided, single submitter. Criteria: Invitae Variant Classification Sherloc (09022015). Collection method: clinical testing. Allele origin: germline.
Comment: This sequence change replaces alanine, which is neutral and non-polar, with valine, which is neutral and non-polar, at codon 1248 of the TSC2 protein (p.Ala1248Val). This variant is not present in population databases (gnomAD no frequency). This variant has not been reported in the literature in individuals affected with TSC2-related conditions. ClinVar contains an entry for this variant (Variation ID: 535958). Advanced modeling of protein sequence and biophysical properties (such as structural, functional, and spatial information, amino acid conservation, physicochemical variation, residue mobility, and thermodynamic stability) performed at Invitae indicates that this missense variant is not expected to disrupt TSC2 protein function. In summary, the available evidence is currently insufficient to determine the role of this variant in disease. Therefore, it has been classified as a Variant of Uncertain Significance.

NM_000548.5(TSC2):c.3743C>T (p.Ala1248Val)

Gene: TSC2 (TSC complex subunit 2; plus strand). Cytogenetic location: 16p13.3.
Variant type: single nucleotide variant.
Coding change: c.3743C>T on transcript NM_000548.5 (MANE Select); coding-DNA position 3743, C replaced by T.
Protein change: p.Ala1248Val; replaces alanine 1248 with valine.
Molecular consequence: missense variant.
Genome position (GRCh38, 1-based): chr16:2,081,727, C>T. VCF-style: chr16-2081727-C-T. GRCh37 (hg19) VCF-style: chr16-2131728-C-T.
Other names: c.3611C>T, p.Ala1204Val (NM_001077183.3, NM_001370404.1); c.3743C>T, p.Ala1248Val (NM_001114382.3); c.3503C>T, p.Ala1168Val (NM_001318827.2); c.3467C>T, p.Ala1156Val (NM_001318829.2); c.3011C>T, p.Ala1004Val (NM_001318831.2); c.3644C>T, p.Ala1215Val (NM_001318832.2); c.3614C>T, p.Ala1205Val (NM_001363528.2, NM_001370405.1, NM_021055.3); short protein forms A1248V, A1004V, A1168V, A1204V, A1205V, A1156V, A1215V.
Identifiers: ClinVar variation 535958 (VCV000535958.9), dbSNP rs745342041, ClinGen allele CA394293028.
Genomic context (GRCh38, chr16:2,081,727, plus strand): 5'-TGCAGGAGCTGTCTAACGCCCTCATGGCGGCTGAGCGCTTCAAGGAGCACCGGGACACAG[C>T]CCTGTACAAGTCACTGTCGGTGCCGGCAGCCAGCACGGCCAAACCCCCTCCTCTGCCTCG-3'
Protein context (NP_000539.2, residues 1238-1258): AERFKEHRDT[Ala1248Val]LYKSLSVPAA